The following is an entry in ClinVar:

NM_005422.4(TECTA):c.6411C>T (p.Leu2137=)

Genes: TBCEL-TECTA (TBCEL-TECTA readthrough; plus strand), TECTA (tectorin alpha; plus strand). Cytogenetic location: 11q23.3.
Variant type: single nucleotide variant.
Coding change: c.6411C>T on transcript NM_005422.4 (MANE Select); coding-DNA position 6411, C replaced by T.
Protein change: p.Leu2137=; no amino-acid change (leucine 2137 retained).
Molecular consequence: synonymous variant.
Genome position (GRCh38, 1-based): chr11:121,190,749, C>T. VCF-style: chr11-121190749-C-T. GRCh37 (hg19) VCF-style: chr11-121061458-C-T.
Other names: c.7353C>T, p.Leu2451= (NM_001378761.1).
Identifiers: ClinVar variation 3893439 (VCV003893439.1).

ClinVar aggregate classification (germline): Uncertain significance (1 of 4 stars; one submission).

Submission:

GeneDx
Classification: Uncertain significance. Last evaluated: 2024-10-24. Review status: criteria provided, single submitter. Criteria: GeneDx Variant Classification Process June 2021. Collection method: clinical testing. Allele origin: germline. Affected: yes.
Comment: Not observed at significant frequency in large population cohorts (gnomAD); In silico analysis indicates that this variant does not alter splicing; Has not been previously published as pathogenic or benign to our knowledge